The following is an entry in ClinVar:

ClinVar aggregate classification (germline): Conflicting classifications of pathogenicity. Review status: criteria provided, conflicting classifications (1 of 4 stars). 2 submissions from 2 submitters: Uncertain significance (1); Likely benign (1). Last evaluated 2024-10-17.

Conditions:
Mucopolysaccharidosis, MPS-III-C (MPS3C). Also called: SANFILIPPO SYNDROME C; MPS III C; MPS IIIC (Sanfilippo Syndrome Type C); MUCOPOLYSACCHARIDOSIS, TYPE IIIC; Mucopolysaccharidosis type IIIC (Sanfilippo C); mucopolysaccharidosis type 3C. Identifiers: Orphanet 581, Orphanet 79271, MedGen C0086649, MONDO:0009657, OMIM 252930.
Retinitis pigmentosa 73 (RP73). Identifiers: Orphanet 791, MedGen C4225287, MONDO:0014687, OMIM 616544.

Allele frequency attached by ClinVar (database versions not stated): gnomAD 0.00004; ExAC 0.00003; gnomAD exomes 0.00006 and 0.00005; TOPMed 0.00003.
gnomAD v4.1: 102 of 1,613,504 alleles (0.0063%); highest among the groups gnomAD compares: Non-Finnish European, 0.0078%; no homozygotes.

Submissions (2):

Blueprint Genetics
Classification: Likely benign. Last evaluated: 2024-10-17. Review status: criteria provided, single submitter. Criteria: ACMG Guidelines, 2015. Collection method: clinical testing. Allele origin: germline.

Labcorp Genetics (formerly Invitae), Labcorp
Classification: Uncertain significance for Retinitis pigmentosa 73; Mucopolysaccharidosis, MPS-III-C. Last evaluated: 2022-07-28. Review status: criteria provided, single submitter. Criteria: Invitae Variant Classification Sherloc (09022015). Collection method: clinical testing. Allele origin: germline.
Comment: This sequence change falls in intron 12 of the HGSNAT gene. It does not directly change the encoded amino acid sequence of the HGSNAT protein. It affects a nucleotide within the consensus splice site. This variant is present in population databases (rs762012939, gnomAD 0.007%). This variant has not been reported in the literature in individuals affected with HGSNAT-related conditions. ClinVar contains an entry for this variant (Variation ID: 1418229). Variants that disrupt the consensus splice site are a relatively common cause of aberrant splicing (PMID: 17576681, 9536098). Algorithms developed to predict the effect of sequence changes on RNA splicing suggest that this variant is not likely to affect RNA splicing. In summary, the available evidence is currently insufficient to determine the role of this variant in disease. Therefore, it has been classified as a Variant of Uncertain Significance.

Literature cited by the submitters: PubMed 17576681 (cited by Labcorp Genetics (formerly Invitae), Labcorp); PubMed 9536098 (cited by Labcorp Genetics (formerly Invitae), Labcorp).

NM_152419.3(HGSNAT):c.1250+6C>T

Gene: HGSNAT (heparan-alpha-glucosaminide N-acetyltransferase; plus strand). Cytogenetic location: 8p11.21.
Variant type: single nucleotide variant.
Coding change: c.1250+6C>T on transcript NM_152419.3 (MANE Select); 6 bases into the intron after coding-DNA position 1250, C replaced by T.
Molecular consequence: intron variant.
Genome position (GRCh38, 1-based): chr8:43,191,601, C>T. VCF-style: chr8-43191601-C-T. GRCh37 (hg19) VCF-style: chr8-43046744-C-T.
Other names: c.1250+6C>T (NM_001363227.2); c.386+6C>T (NM_001363229.2); c.1058+6C>T (NM_001363228.2).
Identifiers: ClinVar variation 1418229 (VCV001418229.4), dbSNP rs762012939, ClinGen allele CA4736813.